The following is an entry in ClinVar:

ClinVar aggregate classification (germline): Uncertain significance (1 of 4 stars; one submission).

Conditions:
Norman-Roberts syndrome (LIS2). Also called: Lissencephaly 2 (Norman-Roberts type). Identifiers: Orphanet 89844, MedGen C0796089, MONDO:0009760, OMIM 257320.
Familial temporal lobe epilepsy 7. Identifiers: Orphanet 101046, MedGen C4225327, MONDO:0014639, OMIM 616436.

Submission:

Labcorp Genetics (formerly Invitae), Labcorp
Classification: Uncertain significance for Familial temporal lobe epilepsy 7; Norman-Roberts syndrome. Last evaluated: 2020-11-27. Review status: criteria provided, single submitter. Criteria: Invitae Variant Classification Sherloc (09022015). Collection method: clinical testing. Allele origin: germline.
Comment: This variant has not been reported in the literature in individuals with RELN-related conditions. In summary, the available evidence is currently insufficient to determine the role of this variant in disease. Therefore, it has been classified as a Variant of Uncertain Significance. Algorithms developed to predict the effect of missense changes on protein structure and function are either unavailable or do not agree on the potential impact of this missense change (SIFT: "Deleterious"; PolyPhen-2: "Probably Damaging"; Align-GVGD: "Class C0"). This variant is not present in population databases (ExAC no frequency). This sequence change replaces proline with arginine at codon 1580 of the RELN protein (p.Pro1580Arg). The proline residue is highly conserved and there is a moderate physicochemical difference between proline and arginine.

NM_005045.4(RELN):c.4739C>G (p.Pro1580Arg)

Gene: RELN (reelin; minus strand). Cytogenetic location: 7q22.1.
Variant type: single nucleotide variant.
Coding change: c.4739C>G on transcript NM_005045.4 (MANE Select); coding-DNA position 4739, C replaced by G.
Protein change: p.Pro1580Arg; replaces proline 1580 with arginine.
Molecular consequence: missense variant.
Genome position (GRCh38, 1-based): chr7:103,566,609, G>C on the plus strand (C>G on the coding strand, the complement: RELN is on the minus strand). VCF-style: chr7-103566609-G-C. GRCh37 (hg19) VCF-style: chr7-103207056-G-C.
Other names: c.4739C>G, p.Pro1580Arg (NM_173054.3); short protein forms P1580R.
Identifiers: ClinVar variation 1393565 (VCV001393565.8), dbSNP rs1488556290, ClinGen allele CA368748349.